The following is an entry in ClinVar:

ClinVar aggregate classification (germline): Likely pathogenic (1 of 4 stars; one submission).

Conditions:
Familial thoracic aortic aneurysm and aortic dissection (TAAD). Also called: Thoracic aortic aneurysms and dissections. Identifiers: Orphanet 91387, MedGen C4707243, MONDO:0019625.

Submission:

Ambry Genetics
Classification: Likely pathogenic for Familial thoracic aortic aneurysm and aortic dissection. Last evaluated: 2024-03-24. Review status: criteria provided, single submitter. Criteria: Ambry Variant Classification Scheme 2023. Collection method: clinical testing. Allele origin: germline.
Comment: The p.D351G variant (also known as c.1052A>G), located in coding exon 6 of the TGFBR1 gene, results from an A to G substitution at nucleotide position 1052. The aspartic acid at codon 351 is replaced by glycine, an amino acid with similar properties. This variant was reported to occur de novo in an individual with features consistent with Loeys-Dietz syndrome (Drera B et al. Orphanet J Rare Dis, 2009 Nov;4:24). This variant is considered to be rare based on population cohorts in the Genome Aggregation Database (gnomAD). This amino acid position is highly conserved in available vertebrate species. In addition, this alteration is predicted to be deleterious by in silico analysis. Based on the majority of available evidence to date, this variant is likely to be pathogenic for Loeys-Dietz syndrome; however, its clinical significance for susceptibility to multiple self-healing squamous epithelioma is uncertain.

Literature cited by the submitters: PubMed 19883511.

NM_004612.4(TGFBR1):c.1052A>G (p.Asp351Gly)

Gene: TGFBR1 (transforming growth factor beta receptor 1; plus strand). Cytogenetic location: 9q22.33.
Variant type: single nucleotide variant.
Coding change: c.1052A>G on transcript NM_004612.4 (MANE Select); coding-DNA position 1052, A replaced by G.
Protein change: p.Asp351Gly; replaces aspartic acid 351 with glycine.
Molecular consequence: missense variant. On other transcripts: non-coding transcript variant (4).
Genome position (GRCh38, 1-based): chr9:99,144,810, A>G. VCF-style: chr9-99144810-A-G. GRCh37 (hg19) VCF-style: chr9-101907092-A-G.
Other names: c.821A>G, p.Asp274Gly (NM_001130916.3, NM_001407435.1); c.1064A>G, p.Asp355Gly (NM_001306210.2); c.896A>G, p.Asp299Gly (NM_001407416.1); c.884A>G, p.Asp295Gly (NM_001407417.1); c.857A>G, p.Asp286Gly (NM_001407418.1, NM_001407419.1, NM_001407420.1 and 1 more transcripts); c.845A>G, p.Asp282Gly (NM_001407423.1, NM_001407424.1, NM_001407425.1 and 8 more transcripts); c.806A>G, p.Asp269Gly (NM_001407436.1); c.344A>G, p.Asp115Gly (NM_001407437.1); and 1 more; short protein forms D192G, D355G, D115G, D274G, D286G, D295G, D282G, D299G.
Identifiers: ClinVar variation 3325711 (VCV003325711.1).